The following is an entry in ClinVar:

NM_006567.5(FARS2):c.1220C>T (p.Thr407Met)

Gene: FARS2 (phenylalanyl-tRNA synthetase 2, mitochondrial; plus strand). Cytogenetic location: 6p25.1.
Variant type: single nucleotide variant.
Coding change: c.1220C>T on transcript NM_006567.5 (MANE Select); coding-DNA position 1220, C replaced by T.
Protein change: p.Thr407Met; replaces threonine 407 with methionine.
Molecular consequence: missense variant.
Genome position (GRCh38, 1-based): chr6:5,771,293, C>T. VCF-style: chr6-5771293-C-T. GRCh37 (hg19) VCF-style: chr6-5771526-C-T.
Other names: p.T407M:ACG>ATG; c.1220C>T, p.Thr407Met (NM_001318872.2, NM_001374875.1, NM_001374876.1 and 4 more transcripts); c.1088C>T, p.Thr363Met (NM_001375258.1); c.524C>T, p.Thr175Met (NM_001375259.1, NM_001375260.1); short protein forms T407M, T175M, T363M.
Identifiers: ClinVar variation 214331 (VCV000214331.7), dbSNP rs372054960, ClinGen allele CA322703.
Genomic context (GRCh38, chr6:5,771,293, plus strand): 5'-TCCTTCAGGCACAGCCTTGTTCATCCCGCACTCACCTGTGTTCTCTTCCTCTCTGTAGGA[C>T]GCACAAGACCAGCCACTGCTACCGCATCACGTACCGCCACATGGAACGGACTCTGTCCCA-3'
Protein context (NP_006558.1, residues 397-417): DLIDKFVHPK[Thr407Met]HKTSHCYRIT

ClinVar aggregate classification (germline): Conflicting classifications of pathogenicity. Review status: criteria provided, conflicting classifications (1 of 4 stars). 2 submissions from 2 submitters: Likely pathogenic (1); Uncertain significance (1). Last evaluated 2025-12-19.

Conditions:
Combined oxidative phosphorylation defect type 14. Also called: Combined oxidative phosphorylation deficiency 14. Identifiers: Orphanet 319519, MedGen C4755312, MONDO:0013986, OMIM 614946.

Allele frequency attached by ClinVar (database versions not stated): ExAC 0.00003; gnomAD exomes 0.00005; gnomAD 0.00007; TOPMed 0.00007; ESP Exome Variant Server 0.00008.
gnomAD v4.1: 35 of 1,613,972 alleles (0.0022%); highest among the groups gnomAD compares: East Asian, 0.022%; no homozygotes.

Submissions (2):

Labcorp Genetics (formerly Invitae), Labcorp
Classification: Uncertain significance for Combined oxidative phosphorylation defect type 14. Last evaluated: 2025-12-19. Review status: criteria provided, single submitter. Criteria: Invitae Variant Classification Sherloc (09022015). Collection method: clinical testing. Allele origin: germline.
Comment: This sequence change replaces threonine, which is neutral and polar, with methionine, which is neutral and non-polar, at codon 407 of the FARS2 protein (p.Thr407Met). This variant is present in population databases (rs372054960, gnomAD 0.04%). This variant has not been reported in the literature in individuals affected with FARS2-related conditions. ClinVar contains an entry for this variant (Variation ID: 214331). Invitae Evidence Modeling of protein sequence and biophysical properties (such as structural, functional, and spatial information, amino acid conservation, physicochemical variation, residue mobility, and thermodynamic stability) indicates that this missense variant is not expected to disrupt FARS2 protein function with a negative predictive value of 80%. In summary, the available evidence is currently insufficient to determine the role of this variant in disease. Therefore, it has been classified as a Variant of Uncertain Significance.

GeneDx
Classification: Likely pathogenic. Last evaluated: 2014-09-08. Review status: criteria provided, single submitter. Criteria: GeneDx Variant Classification (06012015). Collection method: clinical testing. Allele origin: germline. Affected: yes.
Comment: p.Thr407Met (ACG>ATG): c.1220 C>T in exon 7 of the FARS2 gene (NM_006567.3). The T407M variant has not been published as a mutation, nor has it been reported as a benign polymorphism to our knowledge. The T407M variant is a non-conservative amino acid substitution, which is likely to impact secondary protein structure as these residues differ in polarity and size. This substitution occurs at a position that is conserved across species and in silico analysis predicts this variant is probably damaging to the protein structure/function. Therefore, this variant is a strong candidate for a pathogenic mutation, however the possibility that it is a benign variant cannot be excluded. The variant is found in MITONUC-MITOP panel(s).